The following is an entry in ClinVar:

ClinVar aggregate classification (germline): Pathogenic (1 of 4 stars; one submission).

Conditions:
Epidermolysis bullosa simplex 1A, generalized severe (EBS1A). Also called: Epidermolysis bullosa simplex Dowling-Meara type. Identifiers: Orphanet 79396, MedGen C0079295, MONDO:0007550, OMIM 131760.

Submission:

Centro de Genética y Biología Molecular, Universidad de San Martín de Porres
Classification: Pathogenic for Epidermolysis bullosa simplex 1A, generalized severe. Last evaluated: 2020-01-20. Review status: criteria provided, single submitter. Criteria: ACMG Guidelines, 2015. Collection method: research. Allele origin: biparental. Inheritance: Autosomal dominant inheritance. Affected: yes. Observed: 1 homozygote.
Comment: The change is product of insertion of a single nucleotide on exon 40 of COL17A1. (NM_000494.3:c.2706dup). This insertion disrupts a fairly conserved site on the protein (ectodomain).

NM_000494.4(COL17A1):c.2706dup (p.Phe903fs)

Gene: COL17A1 (collagen type XVII alpha 1 chain; minus strand). Cytogenetic location: 10q25.1.
Variant type: Duplication.
Coding change: c.2706dup on transcript NM_000494.4 (MANE Select); coding-DNA position 2706, one base duplicated (C; older notation c.2706dupC).
Protein change: p.Phe903fs; shifts the reading frame from phenylalanine 903.
Molecular consequence: frameshift variant.
Genome position (GRCh38, 1-based): chr10:104,040,406, G duplicated on the plus strand (C on the coding strand, the reverse complement: COL17A1 is on the minus strand); the first of 2 consecutive G bases (chr10:104,040,406-104,040,407); duplicating either gives the same sequence. VCF-style (leftmost placement, unchanged base first): chr10-104040405-A-AG. GRCh37 (hg19) VCF-style: chr10-105800163-A-AG.
Other names: short protein forms F903fs.
Identifiers: ClinVar variation 4528341 (VCV004528341.1).
Genomic context (GRCh38, chr10:104,040,405, plus strand): 5'-TCTCACCTTGGTCTCCCTTGGGACCTGGGGGGCCAGGTGGGCCTGGGGGGCCGGAGAGGA[A>AG]GGTTTCTGCAGAGGAAGGAAATAGTTTGAGTATGGACACTGATGTTTGTGAAGAAGCAGC-3'